The following is an entry in ClinVar:

ClinVar aggregate classification (germline): Uncertain significance. Review status: criteria provided, multiple submitters, no conflicts (2 of 4 stars). 2 submissions from 2 submitters: Uncertain significance (2). Last evaluated 2025-12-01.

Conditions:
LAMA2-related muscular dystrophy (LAMA2-RD). Also called: Laminin alpha 2-related dystrophy. Identifiers: MedGen C5679788, MONDO:0100228.
Congenital muscular dystrophy due to partial LAMA2 deficiency. Identifiers: MedGen C1842898.

Allele frequency attached by ClinVar (database versions not stated): gnomAD exomes below 0.00001; ExAC 0.00001.
gnomAD v4.1: 2 of 1,613,908 alleles (0.00012%); highest among the groups gnomAD compares: South Asian, 0.0022%; no homozygotes.

Submissions (2):

Labcorp Genetics (formerly Invitae), Labcorp
Classification: Uncertain significance for LAMA2-related muscular dystrophy. Last evaluated: 2025-12-01. Review status: criteria provided, single submitter. Criteria: Invitae Variant Classification Sherloc (09022015). Collection method: clinical testing. Allele origin: germline.
Comment: This sequence change replaces glycine, which is neutral and non-polar, with glutamic acid, which is acidic and polar, at codon 440 of the LAMA2 protein (p.Gly440Glu). This variant is present in population databases (rs776467218, gnomAD 0.003%). This variant has not been reported in the literature in individuals affected with LAMA2-related conditions. ClinVar contains an entry for this variant (Variation ID: 906829). Invitae Evidence Modeling of protein sequence and biophysical properties (such as structural, functional, and spatial information, amino acid conservation, physicochemical variation, residue mobility, and thermodynamic stability) indicates that this missense variant is not expected to disrupt LAMA2 protein function with a negative predictive value of 95%. In summary, the available evidence is currently insufficient to determine the role of this variant in disease. Therefore, it has been classified as a Variant of Uncertain Significance.

Illumina Laboratory Services, Illumina
Classification: Uncertain significance for Congenital muscular dystrophy due to partial LAMA2 deficiency. Last evaluated: 2018-01-13. Review status: criteria provided, single submitter. Criteria: ICSL Variant Classification Criteria 13 December 2019. Collection method: clinical testing. Allele origin: germline.

NM_000426.4(LAMA2):c.1319G>A (p.Gly440Glu)

Gene: LAMA2 (laminin subunit alpha 2; plus strand). Cytogenetic location: 6q22.33.
Variant type: single nucleotide variant.
Coding change: c.1319G>A on transcript NM_000426.4 (MANE Select); coding-DNA position 1319, G replaced by A.
Protein change: p.Gly440Glu; replaces glycine 440 with glutamic acid.
Molecular consequence: missense variant.
Genome position (GRCh38, 1-based): chr6:129,177,718, G>A. VCF-style: chr6-129177718-G-A. GRCh37 (hg19) VCF-style: chr6-129498863-G-A.
Other names: c.1319G>A, p.Gly440Glu (NM_001079823.2); short protein forms G440E.
Identifiers: ClinVar variation 906829 (VCV000906829.9), dbSNP rs776467218, ClinGen allele CA3992588.